The following is an entry in ClinVar:

ClinVar aggregate classification (germline): Uncertain significance (1 of 4 stars; one submission).

Conditions:
Epilepsy, progressive myoclonic, 1B. Also called: PME. Identifiers: Orphanet 308, MedGen C2676254, MONDO:0012904, OMIM 612437.

Allele frequency attached by ClinVar (database versions not stated): ExAC 0.00001; gnomAD exomes 0.00001.
gnomAD v4.1: 16 of 1,614,128 alleles (0.00099%); highest among the groups gnomAD compares: South Asian, 0.012%; no homozygotes.

Submission:

Labcorp Genetics (formerly Invitae), Labcorp
Classification: Uncertain significance for Epilepsy, progressive myoclonic, 1B. Last evaluated: 2022-10-12. Review status: criteria provided, single submitter. Criteria: Invitae Variant Classification Sherloc (09022015). Collection method: clinical testing. Allele origin: germline.
Comment: This sequence change replaces tyrosine, which is neutral and polar, with phenylalanine, which is neutral and non-polar, at codon 704 of the PRICKLE1 protein (p.Tyr704Phe). This variant is present in population databases (rs752387857, gnomAD 0.01%). This variant has not been reported in the literature in individuals affected with PRICKLE1-related conditions. Advanced modeling of protein sequence and biophysical properties (such as structural, functional, and spatial information, amino acid conservation, physicochemical variation, residue mobility, and thermodynamic stability) performed at Invitae indicates that this missense variant is not expected to disrupt PRICKLE1 protein function. In summary, the available evidence is currently insufficient to determine the role of this variant in disease. Therefore, it has been classified as a Variant of Uncertain Significance.

NM_153026.3(PRICKLE1):c.2111A>T (p.Tyr704Phe)

Gene: PRICKLE1 (prickle planar cell polarity protein 1; minus strand). Cytogenetic location: 12q12.
Variant type: single nucleotide variant.
Coding change: c.2111A>T on transcript NM_153026.3 (MANE Select); coding-DNA position 2111, A replaced by T.
Protein change: p.Tyr704Phe; replaces tyrosine 704 with phenylalanine.
Molecular consequence: missense variant.
Genome position (GRCh38, 1-based): chr12:42,460,194, T>A on the plus strand (A>T on the coding strand, the complement: PRICKLE1 is on the minus strand). VCF-style: chr12-42460194-T-A. GRCh37 (hg19) VCF-style: chr12-42853996-T-A.
Other names: c.2111A>T, p.Tyr704Phe (NM_001144881.2, NM_001144882.2, NM_001144883.2); short protein forms Y704F.
Identifiers: ClinVar variation 1931473 (VCV001931473.2), dbSNP rs752387857, ClinGen allele CA6519654.